The following is an entry in ClinVar:

NM_001042492.3(NF1):c.1231G>A (p.Val411Ile)

Gene: NF1 (neurofibromin 1; plus strand). Cytogenetic location: 17q11.2.
Variant type: single nucleotide variant.
Coding change: c.1231G>A on transcript NM_001042492.3 (MANE Select); coding-DNA position 1231, G replaced by A.
Protein change: p.Val411Ile; replaces valine 411 with isoleucine.
Molecular consequence: missense variant.
Genome position (GRCh38, 1-based): chr17:31,201,456, G>A. VCF-style: chr17-31201456-G-A. GRCh37 (hg19) VCF-style: chr17-29528474-G-A.
Other names: c.1231G>A, p.Val411Ile (NM_000267.4, NM_001128147.3); short protein forms V411I.
Identifiers: ClinVar variation 818658 (VCV000818658.13), dbSNP rs199703072, ClinGen allele CA289349513.

ClinVar aggregate classification (germline): Uncertain significance. Review status: criteria provided, multiple submitters, no conflicts (2 of 4 stars). 4 submissions from 4 submitters: Uncertain significance (4). Last evaluated 2025-06-23.

Conditions:
Cardiovascular phenotype. Identifiers: MedGen CN230736.
Hereditary cancer-predisposing syndrome. Also called: Neoplastic Syndromes, Hereditary; Hereditary Cancer Syndrome; Tumor predisposition; Hereditary neoplastic syndrome. Identifiers: Orphanet 140162, MedGen C0027672, MeSH D009386, MONDO:0015356.
NF1-related disorder. Also called: NF1-related condition. Identifiers: MedGen CN379171.
Neurofibromatosis, type 1 (NF1). Also called: Neurofibromatosis, type I; VON RECKLINGHAUSEN DISEASE; Peripheral type neurofibromatosis; NEUROFIBROMATOSIS, TYPE I, SOMATIC. Identifiers: Orphanet 636, MedGen C0027831, MONDO:0018975, OMIM 162200. Disease mechanism: loss of function.

Allele frequency attached by ClinVar (database versions not stated): gnomAD exomes below 0.00001; gnomAD 0.00001; 1000 Genomes Project 30x 0.00016; 1000 Genomes Project 0.00020.
gnomAD v4.1: 1 of 1,612,340 alleles (0.000062%); highest among the groups gnomAD compares: East Asian, 0.0022%; no homozygotes.

Submissions (4):

PreventionGenetics, part of Exact Sciences
Classification: Uncertain significance for NF1-related condition. Last evaluated: 2025-06-23. Review status: criteria provided, single submitter. Criteria: ACMG Guidelines, 2015. Collection method: clinical testing. Allele origin: germline.
Comment: The NF1 c.1231G>A variant is predicted to result in the amino acid substitution p.Val411Ile. To our knowledge, this variant has not been reported in the literature. This variant is reported in 0.0054% of alleles in individuals of East Asian descent in gnomAD. At this time, the clinical significance of this variant is uncertain due to the absence of conclusive functional and genetic evidence.

Labcorp Genetics (formerly Invitae), Labcorp
Classification: Uncertain significance for Neurofibromatosis, type 1. Last evaluated: 2025-02-27. Review status: criteria provided, single submitter. Criteria: Invitae Variant Classification Sherloc (09022015). Collection method: clinical testing. Allele origin: germline.
Comment: This sequence change replaces valine, which is neutral and non-polar, with isoleucine, which is neutral and non-polar, at codon 411 of the NF1 protein (p.Val411Ile). This variant is not present in population databases (gnomAD no frequency). This variant has not been reported in the literature in individuals affected with NF1-related conditions. ClinVar contains an entry for this variant (Variation ID: 818658). Invitae Evidence Modeling of protein sequence and biophysical properties (such as structural, functional, and spatial information, amino acid conservation, physicochemical variation, residue mobility, and thermodynamic stability) has been performed for this missense variant. However, the output from this modeling did not meet the statistical confidence thresholds required to predict the impact of this variant on NF1 protein function. In summary, the available evidence is currently insufficient to determine the role of this variant in disease. Therefore, it has been classified as a Variant of Uncertain Significance.

Ambry Genetics
Classification: Uncertain significance for Cardiovascular phenotype; Hereditary cancer-predisposing syndrome. Last evaluated: 2023-12-18. Review status: criteria provided, single submitter. Criteria: Ambry Variant Classification Scheme 2023. Collection method: clinical testing. Allele origin: germline.
Comment: The p.V411I variant (also known as c.1231G>A), located in coding exon 11 of the NF1 gene, results from a G to A substitution at nucleotide position 1231. The valine at codon 411 is replaced by isoleucine, an amino acid with highly similar properties. This amino acid position is highly conserved in available vertebrate species. In addition, the in silico prediction for this alteration is inconclusive. Since supporting evidence is limited at this time, the clinical significance of this alteration remains unclear.

Genome-Nilou Lab
Classification: Uncertain significance for Neurofibromatosis, type 1. Last evaluated: 2022-03-15. Review status: criteria provided, single submitter. Criteria: ACMG Guidelines, 2015. Collection method: clinical testing. Allele origin: germline. Affected: no.